The following is an entry in ClinVar:

NM_012448.4(STAT5B):c.1942A>G (p.Thr648Ala)

Gene: STAT5B (signal transducer and activator of transcription 5B; minus strand). Cytogenetic location: 17q21.2.
Variant type: single nucleotide variant.
Coding change: c.1942A>G on transcript NM_012448.4 (MANE Select); coding-DNA position 1942, A replaced by G.
Protein change: p.Thr648Ala; replaces threonine 648 with alanine.
Molecular consequence: missense variant.
Genome position (GRCh38, 1-based): chr17:42,207,693, T>C on the plus strand (A>G on the coding strand, the complement: STAT5B is on the minus strand). VCF-style: chr17-42207693-T-C. GRCh37 (hg19) VCF-style: chr17-40359711-T-C.
Other names: short protein forms T648A.
Identifiers: ClinVar variation 2063305 (VCV002063305.5), dbSNP rs761602572, ClinGen allele CA8573928.
Genomic context (GRCh38, chr17:42,207,693, plus strand): 5'-AGATAAGGTAATTCAAGTCTCCCAAGCGGTCGGCTAGGGACCGAATGGAGAAGTCTCTGG[T>C]GGTAAAAGGCATCAGATTCCAAAACATTCTTTCCTCTAGATCAATAAACAGAACAATCAC-3'
Protein context (NP_036580.2, residues 638-658): RMFWNLMPFT[Thr648Ala]RDFSIRSLAD

ClinVar aggregate classification (germline): Uncertain significance. Review status: criteria provided, multiple submitters, no conflicts (2 of 4 stars). 2 submissions from 2 submitters: Uncertain significance (2). Last evaluated 2026-01-02.

Conditions:
Inborn genetic diseases. Identifiers: MedGen C0950123, MeSH D030342.
Growth hormone insensitivity with immune dysregulation 1, autosomal recessive. Also called: GROWTH HORMONE INSENSITIVITY DUE TO POSTRECEPTOR DEFECT; LARON SYNDROME DUE TO POSTRECEPTOR DEFECT; Laron syndrome with immunodeficiency; GROWTH HORMONE INSENSITIVITY SYNDROME WITH IMMUNE DYSREGULATION 1, AUTOSOMAL RECESSIVE. Identifiers: Orphanet 220465, MedGen C5435698, MONDO:0100211, OMIM 245590.

Allele frequency attached by ClinVar (database versions not stated): TOPMed below 0.00001; ExAC 0.00001; gnomAD exomes 0.00001.
gnomAD v4.1: 6 of 1,614,108 alleles (0.00037%); highest among the groups gnomAD compares: Admixed American, 0.01%; 1 homozygote.

Submissions (2):

Labcorp Genetics (formerly Invitae), Labcorp
Classification: Uncertain significance for Growth hormone insensitivity with immune dysregulation 1, autosomal recessive. Last evaluated: 2026-01-02. Review status: criteria provided, single submitter. Criteria: Invitae Variant Classification Sherloc (09022015). Collection method: clinical testing. Allele origin: germline.
Comment: This sequence change replaces threonine, which is neutral and polar, with alanine, which is neutral and non-polar, at codon 648 of the STAT5B protein (p.Thr648Ala). This variant is present in population databases (rs761602572, gnomAD 0.02%), including at least one homozygous and/or hemizygous individual. This variant has not been reported in the literature in individuals affected with STAT5B-related conditions. ClinVar contains an entry for this variant (Variation ID: 2063305). Invitae Evidence Modeling of protein sequence and biophysical properties (such as structural, functional, and spatial information, amino acid conservation, physicochemical variation, residue mobility, and thermodynamic stability) indicates that this missense variant is not expected to disrupt STAT5B protein function with a negative predictive value of 80%. In summary, the available evidence is currently insufficient to determine the role of this variant in disease. Therefore, it has been classified as a Variant of Uncertain Significance.

Ambry Genetics
Classification: Uncertain significance for Inborn genetic diseases. Last evaluated: 2025-02-20. Review status: criteria provided, single submitter. Criteria: Ambry Variant Classification Scheme 2023. Collection method: clinical testing. Allele origin: germline.